The following is an entry in ClinVar:

NM_020719.3(PRR12):c.5207G>A (p.Arg1736Gln)

Gene: PRR12 (proline rich 12; plus strand). Cytogenetic location: 19q13.33.
Variant type: single nucleotide variant.
Coding change: c.5207G>A on transcript NM_020719.3 (MANE Select); coding-DNA position 5207, G replaced by A.
Protein change: p.Arg1736Gln; replaces arginine 1736 with glutamine.
Molecular consequence: missense variant.
Genome position (GRCh38, 1-based): chr19:49,615,929, G>A. VCF-style: chr19-49615929-G-A. GRCh37 (hg19) VCF-style: chr19-50119186-G-A.
Other names: short protein forms R1736Q.
Identifiers: ClinVar variation 3219307 (VCV003219307.8), dbSNP rs978954003, ClinGen allele CA406837497.

ClinVar aggregate classification (germline): Likely benign. Review status: criteria provided, multiple submitters, no conflicts (2 of 4 stars). 2 submissions from 2 submitters: Likely benign (2). Last evaluated 2025-03-01.

Conditions:
Inborn genetic diseases. Identifiers: MedGen C0950123, MeSH D030342.

Submissions (2):

CeGaT Center for Human Genetics Tuebingen
Classification: Likely benign. Last evaluated: 2025-03-01. Review status: criteria provided, single submitter. Criteria: CeGaT Center For Human Genetics Tuebingen Variant Classification Criteria Version 2. Collection method: clinical testing. Allele origin: germline. Affected: yes. Observed: 1 variant allele.
Comment: PRR12: BP4

Ambry Genetics
Classification: Likely benign for Inborn genetic diseases. Last evaluated: 2023-12-17. Review status: criteria provided, single submitter. Criteria: Ambry Variant Classification Scheme 2023. Collection method: clinical testing. Allele origin: germline.